The following is an entry in ClinVar:

Conditions:
Breast-ovarian cancer, familial, susceptibility to, 1 (BROVCA1). Also called: BRCA1 Hereditary Breast and Ovarian Cancer; OVARIAN CANCER, SUSCEPTIBILITY TO. Identifiers: Orphanet 145, MedGen C2676676, MONDO:0011450, OMIM 604370. Disease mechanism: loss of function.

Submission:

Brotman Baty Institute, University of Washington
No classification provided (evidence only). Condition: Breast-ovarian cancer, familial 1. Review status: no classification provided. Collection method: in vitro. Allele origin: not applicable. Functional consequence: functionally_normal.
ClinVar note: "not provided" was previously submitted as the classification for the variant. However, the classification appeared to be based only on an observation of functional data so it was converted to no classification on 2025-07-30.

NM_007294.4(BRCA1):c.5278-16T>G

Gene: BRCA1 (BRCA1 DNA repair associated; minus strand). Cytogenetic location: 17q21.31.
Variant type: single nucleotide variant.
Coding change: c.5278-16T>G on transcript NM_007294.4 (MANE Select); 16 bases into the intron before coding-DNA position 5278, T replaced by G.
Molecular consequence: intron variant.
Genome position (GRCh38, 1-based): chr17:43,051,133, A>C on the plus strand (T>G on the coding strand, the complement: BRCA1 is on the minus strand). VCF-style: chr17-43051133-A-C. GRCh37 (hg19) VCF-style: chr17-41203150-A-C.
Other names: c.1825-16T>G (NM_001408458.1, NM_001408461.1, NM_001408464.1 and 7 more transcripts); c.4387-16T>G (NM_001407967.1); c.4897-16T>G (NM_001407959.1); c.5011-16T>G (NM_001407931.1, NM_001407932.1, NM_001407928.1 and 4 more transcripts); c.5134-16T>G (NM_001407747.1, NM_001407745.1, NM_001407737.1 and 21 more transcripts); c.4894-16T>G (NM_001407962.1, NM_001407960.1); c.1465-16T>G (NM_001408512.1); c.1588-16T>G (NM_001408510.1); and 74 more.
Identifiers: ClinVar variation 867933 (VCV000867933.3), dbSNP rs1555575747, ClinGen allele CA916081085.
Genomic context (GRCh38, chr17:43,051,133, plus strand): 5'-GTTGGTGAAGGGCCCATAGCAACAGATTTCTAGCCCCCTGAAGATCTGGAAGAAGAGAGG[A>C]AGAGAGAGGGACAGGGGAATGGAGAGAAGGAAAATCTAGTTATAAAAGAATATTGGCTTT-3'